The following is an entry in ClinVar:

ClinVar aggregate classification (germline): Uncertain significance (1 of 4 stars; one submission).

Conditions:
Neuromuscular disease caused by qualitative or quantitative defects of perlecan. Also called: Qualitative or quantitative defects of perlecan. Identifiers: Orphanet 207101, MedGen C5680831, MONDO:0016151.

Allele frequency attached by ClinVar (database versions not stated): gnomAD exomes below 0.00001 and 0.00001; ExAC 0.00001; gnomAD 0.00001; TOPMed 0.00002; ESP Exome Variant Server 0.00008.
gnomAD v4.1: 16 of 1,613,864 alleles (0.00099%); highest among the groups gnomAD compares: African/African-American, 0.0027%; no homozygotes.

Submission:

Victorian Clinical Genetics Services, Murdoch Childrens Research Institute
Classification: Uncertain significance for Neuromuscular disease caused by qualitative or quantitative defects of perlecan. Last evaluated: 2020-05-21. Review status: criteria provided, single submitter. Criteria: ACMG Guidelines, 2015. Collection method: clinical testing. Allele origin: germline. Inheritance: Autosomal recessive inheritance.
Comment: Based on the classification scheme VCGS_Germline_v1.1.1, this variant is classified as VUS – 3C. Following criteria are met: 0102 - Loss-of-function is a known mechanism of disease for this gene. (N) 0106 - This gene is known to be associated with autosomal recessive disease. (N) 0200 - Variant is predicted to result in a missense amino acid change from glycine to serine (exon 55). (N) 0251 - Variant is heterozygous. (N) 0304 - Variant is present in gnomAD <0.01 for a recessive condition (1 heterozygote, 0 homozygote). (P) 0503 - Missense variant consistently predicted to be tolerated or not conserved in mammals with a minor amino acid change. (B) 0600 - Variant is located in an annotated domain or motif, (Ig-like C2-type 8 domain; uniprot). (N) 0705 - No comparable variants have previous evidence for pathogenicity. (N) 0807 - Variant has not previously been reported in a clinical context. (N) 0905 - No segregation evidence has been identified for this variant, in the literature. (N) 1007 - No published functional evidence has been identified for this variant. (N) 1208 - Inheritance information for this variant is not currently available. (N) Legend: (P) - Pathogenic, (N) - Neutral, (B) - Benign

NM_005529.7(HSPG2):c.7012G>A (p.Gly2338Ser)

Gene: HSPG2 (heparan sulfate proteoglycan 2; minus strand). Cytogenetic location: 1p36.12.
Variant type: single nucleotide variant.
Coding change: c.7012G>A on transcript NM_005529.7 (MANE Select); coding-DNA position 7012, G replaced by A.
Protein change: p.Gly2338Ser; replaces glycine 2338 with serine.
Molecular consequence: missense variant.
Genome position (GRCh38, 1-based): chr1:21,851,692, C>T on the plus strand (G>A on the coding strand, the complement: HSPG2 is on the minus strand). VCF-style: chr1-21851692-C-T. GRCh37 (hg19) VCF-style: chr1-22178185-C-T.
Other names: c.7015G>A, p.Gly2339Ser (NM_001291860.2); short protein forms G2338S, G2339S.
Identifiers: ClinVar variation 1699290 (VCV001699290.3), dbSNP rs374914708, ClinGen allele CA671337.